The following is an entry in ClinVar:

ClinVar aggregate classification (germline): Uncertain significance (1 of 4 stars; one submission).

Submission:

CeGaT Center for Human Genetics Tuebingen
Classification: Uncertain significance. Last evaluated: 2026-07-01. Review status: criteria provided, single submitter. Criteria: CeGaT Center For Human Genetics Tuebingen Variant Classification Criteria Version 2. Collection method: clinical testing. Allele origin: germline. Affected: yes. Observed: 1 variant allele.
Comment: CUX2: PM2, PM4

NM_015267.4(CUX2):c.566_577del (p.Leu189_Val192del)

Gene: CUX2 (cut like homeobox 2; plus strand). Cytogenetic location: 12q24.11.
Variant type: Deletion.
Coding change: c.566_577del on transcript NM_015267.4 (MANE Select); coding-DNA positions 566 to 577, 12 bases deleted (TTCAAGAAGTAC).
Protein change: p.Leu189_Val192del.
Genome position (GRCh38, 1-based): chr12:111,295,338-111,295,349, TTCAAGAAGTAC deleted; deleting any 12 consecutive bases within chr12:111,295,337-111,295,349 gives the same sequence; the c. name uses the placement nearest the transcript's 3' end. VCF-style (leftmost placement, unchanged base first): chr12-111295336-CCTTCAAGAAGTA-C. GRCh37 (hg19) VCF-style: chr12-111733140-CCTTCAAGAAGTA-C.
Other names: c.380_391del, p.Leu127_Val130del (NM_001370598.1).
Identifiers: ClinVar variation 5040292 (VCV005040292.1).